The following is an entry in ClinVar:

ClinVar aggregate classification (germline): Uncertain significance (1 of 4 stars; one submission).

Submission:

Ambry Genetics
Classification: Uncertain significance. Last evaluated: 2023-09-01. Review status: criteria provided, single submitter. Criteria: Ambry Variant Classification Scheme 2023. Collection method: clinical testing. Allele origin: germline.
Comment: The p.S947Y variant (also known as c.2840C>A), located in coding exon 16 of the POLQ gene, results from a C to A substitution at nucleotide position 2840. The serine at codon 947 is replaced by tyrosine, an amino acid with dissimilar properties. This amino acid position is conserved. In addition, this alteration is predicted to be tolerated by in silico analysis. Since supporting evidence is limited at this time, the clinical significance of this alteration remains unclear.

NM_199420.4(POLQ):c.2840C>A (p.Ser947Tyr)

Gene: POLQ (DNA polymerase theta; minus strand). Cytogenetic location: 3q13.33.
Variant type: single nucleotide variant.
Coding change: c.2840C>A on transcript NM_199420.4 (MANE Select); coding-DNA position 2840, C replaced by A.
Protein change: p.Ser947Tyr; replaces serine 947 with tyrosine.
Molecular consequence: missense variant.
Genome position (GRCh38, 1-based): chr3:121,490,091, G>T on the plus strand (C>A on the coding strand, the complement: POLQ is on the minus strand). VCF-style: chr3-121490091-G-T. GRCh37 (hg19) VCF-style: chr3-121208938-G-T.
Other names: short protein forms S947Y.
Identifiers: ClinVar variation 2625874 (VCV002625874.2), dbSNP rs867223265, ClinGen allele CA354104333.
Genomic context (GRCh38, chr3:121,490,091, plus strand): 5'-CTTGTATGCTCTCTACTTTTATTTAAGTCTTGCACTATATTTGGTGAATGCTTAATATAA[G>T]AATCACTAAATATTGTGTTACTTTTGTTCTTTGATGTTAATTTTTTATAAGAACTCTTAG-3'
Protein context (NP_955452.3, residues 937-957): KNKSNTIFSD[Ser947Tyr]YIKHSPNIVQ